The following is an entry in ClinVar:

ClinVar aggregate classification (germline): Uncertain significance (1 of 4 stars; one submission).

Allele frequency attached by ClinVar (database versions not stated): gnomAD exomes below 0.00001.
gnomAD v4.1: 1 of 1,614,150 alleles (0.000062%); highest among the groups gnomAD compares: Middle Eastern, 0.016%; no homozygotes.

Submission:

Labcorp Genetics (formerly Invitae), Labcorp
Classification: Uncertain significance. Last evaluated: 2022-05-12. Review status: criteria provided, single submitter. Criteria: Invitae Variant Classification Sherloc (09022015). Collection method: clinical testing. Allele origin: germline.
Comment: In summary, the available evidence is currently insufficient to determine the role of this variant in disease. Therefore, it has been classified as a Variant of Uncertain Significance. Algorithms developed to predict the effect of missense changes on protein structure and function (SIFT, PolyPhen-2, Align-GVGD) all suggest that this variant is likely to be tolerated. This variant has not been reported in the literature in individuals affected with ESCO2-related conditions. This variant is not present in population databases (gnomAD no frequency). This sequence change replaces valine, which is neutral and non-polar, with glutamic acid, which is acidic and polar, at codon 388 of the ESCO2 protein (p.Val388Glu).

NM_001017420.3(ESCO2):c.1163T>A (p.Val388Glu)

Gene: ESCO2 (establishment of sister chromatid cohesion N-acetyltransferase 2; plus strand). Cytogenetic location: 8p21.1.
Variant type: single nucleotide variant.
Coding change: c.1163T>A on transcript NM_001017420.3 (MANE Select); coding-DNA position 1163, T replaced by A.
Protein change: p.Val388Glu; replaces valine 388 with glutamic acid.
Molecular consequence: missense variant.
Genome position (GRCh38, 1-based): chr8:27,788,878, T>A. VCF-style: chr8-27788878-T-A. GRCh37 (hg19) VCF-style: chr8-27646395-T-A.
Other names: short protein forms V388E.
Identifiers: ClinVar variation 1993731 (VCV001993731.4), dbSNP rs1485560804, ClinGen allele CA370824097.
Genomic context (GRCh38, chr8:27,788,878, plus strand): 5'-GGGTTTCTTTTTTTACCCCCCAATTATAGGACGCTGGTCAGAAACATTTTGGGGCTACTG[T>A]GTGCAAGTCTTGTGGTATGATATATACTGCTTCCAACCCTGAAGATGAAATGCAGCATGT-3'
Protein context (NP_001017420.1, residues 378-398): DAGQKHFGAT[Val388Glu]CKSCGMIYTA